The following is an entry in ClinVar:

NM_153717.3(EVC):c.939+4C>T

Gene: EVC (EvC ciliary complex subunit 1; plus strand). Cytogenetic location: 4p16.2.
Variant type: single nucleotide variant.
Coding change: c.939+4C>T on transcript NM_153717.3 (MANE Select); 4 bases into the intron after coding-DNA position 939, C replaced by T.
Molecular consequence: intron variant.
Genome position (GRCh38, 1-based): chr4:5,745,345, C>T. VCF-style: chr4-5745345-C-T. GRCh37 (hg19) VCF-style: chr4-5747072-C-T.
Other names: c.939+4C>T (NM_001306090.2, NM_001306092.2).
Identifiers: ClinVar variation 262785 (VCV000262785.32), dbSNP rs2286343, ClinGen allele CA2835917.
Genomic context (GRCh38, chr4:5,745,345, plus strand): 5'-ACCCTGGCTGATGTGGAAAAGAAGGAGAGAGAATACTCTGAACAGCTAATCGATAATGTG[C>T]GTGCCAGACTTTCTTTCCTGTACACAAATTTTGGTTCCTAAAACAGTTAAATTGGCTACA-3'

ClinVar aggregate classification (germline): Benign. Review status: criteria provided, multiple submitters, no conflicts (2 of 4 stars). 14 submissions from 13 submitters: Benign (11). 3 of the submissions do not count toward it. Last evaluated 2026-05-08.

Conditions:
Ellis-van Creveld syndrome (EVC). Also called: Chondroectodermal dysplasia; MESOECTODERMAL DYSPLASIA. Identifiers: Orphanet 289, MedGen C0013903, MONDO:0009162, OMIM 225500.
Curry-Hall syndrome (WAD). Also called: WEYERS ACRODENTAL DYSOSTOSIS. Identifiers: Orphanet 952, MedGen C0457013, MONDO:0008673, OMIM 193530.

Allele frequency attached by ClinVar (database versions not stated): ESP Exome Variant Server 0.30378; gnomAD 0.33466 and 0.34190; gnomAD exomes 0.33738 and 0.38210; TOPMed 0.34775; ExAC 0.37290; 1000 Genomes Project 30x 0.40662; 1000 Genomes Project 0.40935.
gnomAD v4.1: 544,981 of 1,612,486 alleles (34%); highest among the groups gnomAD compares: East Asian, 66%; 96,525 homozygotes.

Submissions (14):

Women's Health and Genetics/Laboratory Corporation of America, LabCorp
Classification: Benign. Last evaluated: 2026-05-08. Review status: criteria provided, single submitter. Criteria: LabCorp Variant Classification Summary - May 2015. Collection method: clinical testing. Allele origin: germline.

Labcorp Genetics (formerly Invitae), Labcorp
Classification: Benign for Curry-Hall syndrome; Ellis-van Creveld syndrome. Last evaluated: 2026-02-04. Review status: criteria provided, single submitter. Criteria: Invitae Variant Classification Sherloc (09022015). Collection method: clinical testing. Allele origin: germline.

Blueprint Genetics
Classification: Benign. Last evaluated: 2024-11-26. Review status: criteria provided, single submitter. Criteria: ACMG Guidelines, 2015. Collection method: clinical testing. Allele origin: germline.

Genome-Nilou Lab
Classification: Benign for Curry-Hall syndrome. Last evaluated: 2021-07-30. Review status: criteria provided, single submitter. Criteria: ACMG Guidelines, 2015. Collection method: clinical testing. Allele origin: germline. Affected: no.

Genome-Nilou Lab
Classification: Benign for Ellis-van Creveld syndrome. Last evaluated: 2021-07-30. Review status: criteria provided, single submitter. Criteria: ACMG Guidelines, 2015. Collection method: clinical testing. Allele origin: germline. Affected: no.

Pars Genome Lab
Classification: Benign for Ellis-van Creveld syndrome. Last evaluated: 2021-06-15. Review status: criteria provided, single submitter. Criteria: ACMG Guidelines, 2015. Collection method: clinical testing. Allele origin: germline. Affected: no.

Eurofins Ntd Llc (ga)
Classification: Benign. Last evaluated: 2018-03-02. Review status: criteria provided, single submitter. Criteria: EGL ClinVar v180209 classification definitions. Collection method: clinical testing. Allele origin: germline. Observed: 1 variant allele, 1 heterozygote.

Illumina Laboratory Services, Illumina
Classification: Benign for Ellis-van Creveld syndrome. Last evaluated: 2018-01-13. Review status: criteria provided, single submitter. Criteria: ICSL Variant Classification Criteria 13 December 2019. Collection method: clinical testing. Allele origin: germline.
Comment: This variant was observed in the ICSL laboratory as part of a predisposition screen in an ostensibly healthy population. It had not been previously curated by ICSL or reported in the Human Gene Mutation Database (HGMD: prior to June 1st, 2018), and was therefore a candidate for classification through an automated scoring system. Utilizing variant allele frequency, disease prevalence and penetrance estimates, and inheritance mode, an automated score was calculated to assess if this variant is too frequent to cause the disease. Based on the score and internal cut-off values, a variant classified as benign is not then subjected to further curation. The score for this variant resulted in a classification of benign for this disease.

GeneDx
Classification: Benign. Last evaluated: 2016-03-21. Review status: criteria provided, single submitter. Criteria: GeneDx Variant Classification (06012015). Collection method: clinical testing. Allele origin: germline. Affected: yes.
Comment: This variant is considered likely benign or benign based on one or more of the following criteria: it is a conservative change, it occurs at a poorly conserved position in the protein, it is predicted to be benign by multiple in silico algorithms, and/or has population frequency not consistent with disease.

Breakthrough Genomics
Classification: Benign. Review status: criteria provided, single submitter. Criteria: ACMG Guidelines, 2015. Collection method: not provided. Allele origin: germline. Inheritance: Autosomal recessive inheritance. Affected: yes.

PreventionGenetics, part of Exact Sciences
Classification: Benign. Review status: criteria provided, single submitter. Criteria: ACMG Guidelines, 2015. Collection method: clinical testing. Allele origin: germline.

Natera, Inc.
Classification: Benign for Ellis-van Creveld syndrome. Last evaluated: 2020-09-16. Review status: no assertion criteria provided. Collection method: clinical testing. Allele origin: germline. Not counted in ClinVar's aggregate classification.

Diagnostic Laboratory, Department of Genetics, University Medical Center Groningen
Classification: Benign. Review status: no assertion criteria provided. Collection method: clinical testing. Allele origin: germline. Affected: yes. Study: VKGL Data-share Consensus. Not counted in ClinVar's aggregate classification.

Joint Genome Diagnostic Labs from Nijmegen and Maastricht, Radboudumc and MUMC+
Classification: Benign. Review status: no assertion criteria provided. Collection method: clinical testing. Allele origin: germline. Affected: yes. Study: VKGL Data-share Consensus. Not counted in ClinVar's aggregate classification.